The following is an entry in ClinVar:

ClinVar aggregate classification (germline): Uncertain significance. Review status: criteria provided, multiple submitters, no conflicts (2 of 4 stars). 3 submissions from 3 submitters: Uncertain significance (3). Last evaluated 2024-07-30.

Conditions:
Inborn genetic diseases. Identifiers: MedGen C0950123, MeSH D030342.

Allele frequency attached by ClinVar (database versions not stated): ExAC 0.00001; gnomAD 0.00003; gnomAD exomes 0.00003; TOPMed 0.00003.
gnomAD v4.1: 55 of 1,613,978 alleles (0.0034%); highest among the groups gnomAD compares: Non-Finnish European, 0.0043%; no homozygotes.

Submissions (3):

Ambry Genetics
Classification: Uncertain significance for Inborn genetic diseases. Last evaluated: 2024-07-30. Review status: criteria provided, single submitter. Criteria: Ambry Variant Classification Scheme 2023. Collection method: clinical testing. Allele origin: germline.

Labcorp Genetics (formerly Invitae), Labcorp
Classification: Uncertain significance. Last evaluated: 2024-01-04. Review status: criteria provided, single submitter. Criteria: Invitae Variant Classification Sherloc (09022015). Collection method: clinical testing. Allele origin: germline.
Comment: This sequence change replaces valine, which is neutral and non-polar, with alanine, which is neutral and non-polar, at codon 766 of the KMT2E protein (p.Val766Ala). This variant is present in population databases (rs749108757, gnomAD 0.002%). This variant has not been reported in the literature in individuals affected with KMT2E-related conditions. ClinVar contains an entry for this variant (Variation ID: 1879700). Advanced modeling of protein sequence and biophysical properties (such as structural, functional, and spatial information, amino acid conservation, physicochemical variation, residue mobility, and thermodynamic stability) has been performed at Invitae for this missense variant, however the output from this modeling did not meet the statistical confidence thresholds required to predict the impact of this variant on KMT2E protein function. In summary, the available evidence is currently insufficient to determine the role of this variant in disease. Therefore, it has been classified as a Variant of Uncertain Significance.

CeGaT Center for Human Genetics Tuebingen
Classification: Uncertain significance. Last evaluated: 2022-10-01. Review status: criteria provided, single submitter. Criteria: CeGaT Center For Human Genetics Tuebingen Variant Classification Criteria Version 2. Collection method: clinical testing. Allele origin: germline. Affected: yes. Observed: 1 variant allele.

NM_182931.3(KMT2E):c.2297T>C (p.Val766Ala)

Gene: KMT2E (lysine methyltransferase 2E (inactive); plus strand). Cytogenetic location: 7q22.3.
Variant type: single nucleotide variant.
Coding change: c.2297T>C on transcript NM_182931.3 (MANE Select); coding-DNA position 2297, T replaced by C.
Protein change: p.Val766Ala; replaces valine 766 with alanine.
Molecular consequence: missense variant.
Genome position (GRCh38, 1-based): chr7:105,105,539, T>C. VCF-style: chr7-105105539-T-C. GRCh37 (hg19) VCF-style: chr7-104745986-T-C.
Other names: c.2297T>C (NM_182931.2); c.2297T>C, p.Val766Ala (NM_001410908.1, NM_018682.4); short protein forms V766A.
Identifiers: ClinVar variation 1879700 (VCV001879700.33), dbSNP rs749108757, ClinGen allele CA4424189.